The following is an entry in ClinVar:

ClinVar aggregate classification (germline): Pathogenic (1 of 4 stars; one submission).

Conditions:
KBG syndrome (KBGS). Also called: ANKRD11-Related KBG Syndrome. Identifiers: Orphanet 2332, MedGen C0220687, MONDO:0007846, OMIM 148050.

Submission:

Institute of Human Genetics, University of Leipzig Medical Center
Classification: Pathogenic for KBG syndrome. Last evaluated: 2025-12-17. Review status: criteria provided, single submitter. Criteria: ACMG Guidelines, 2015. Collection method: clinical testing. Allele origin: unknown. Inheritance: Autosomal dominant inheritance. Affected: yes.
Comment: Criteria applied: PVS1,PM2

NM_013275.6(ANKRD11):c.6018del (p.Phe2008fs)

Gene: ANKRD11 (ankyrin repeat domain 11; minus strand). Cytogenetic location: 16q24.3.
Variant type: Deletion.
Coding change: c.6018del on transcript NM_013275.6 (MANE Select); coding-DNA position 6018, one base deleted (G; older notation c.6018delG).
Protein change: p.Phe2008fs; shifts the reading frame from phenylalanine 2008.
Molecular consequence: frameshift variant.
Genome position (GRCh38, 1-based): chr16:89,280,524, C deleted on the plus strand (G on the coding strand, the reverse complement: ANKRD11 is on the minus strand); the first of 3 consecutive C bases (chr16:89,280,524-89,280,526); deleting any one gives the same sequence. VCF-style (leftmost placement, unchanged base first): chr16-89280523-GC-G. GRCh37 (hg19) VCF-style: chr16-89346931-GC-G.
Other names: c.6018del, p.Phe2008fs (NM_001256182.2, NM_001256183.2); short protein forms F2008fs.
Identifiers: ClinVar variation 4683083 (VCV004683083.1).